The following is an entry in ClinVar:

NM_000169.3(GLA):c.254G>A (p.Gly85Asp)

Genes: GLA (galactosidase alpha; minus strand), RPL36A-HNRNPH2 (RPL36A-HNRNPH2 readthrough; plus strand). Cytogenetic location: Xq22.1.
Variant type: single nucleotide variant.
Coding change: c.254G>A on transcript NM_000169.3 (MANE Select); coding-DNA position 254, G replaced by A.
Protein change: p.Gly85Asp; replaces glycine 85 with aspartic acid.
Molecular consequence: missense variant. On other transcripts: non-coding transcript variant (3), intron variant (2).
Genome position (GRCh38, 1-based): chrX:101,403,926, C>T on the plus strand (G>A on the coding strand, the complement: GLA is on the minus strand). VCF-style: chrX-101403926-C-T. GRCh37 (hg19) VCF-style: chrX-100658914-C-T.
Other names: c.377G>A, p.Gly126Asp (NM_001406747.1, NM_001406749.1); c.254G>A, p.Gly85Asp (NM_001406748.1); c.301-8010C>T (NM_001199973.2); c.178-8010C>T (NM_001199974.2); short protein forms G85D, G126D.
Identifiers: ClinVar variation 594665 (VCV000594665.18), dbSNP rs1569304898, ClinGen allele CA413933914.

ClinVar aggregate classification (germline): Pathogenic/Likely pathogenic. Review status: criteria provided, multiple submitters, no conflicts (2 of 4 stars). 5 submissions from 5 submitters: Pathogenic (3); Likely pathogenic (2). Last evaluated 2026-09-08.

Conditions:
Cardiovascular phenotype. Identifiers: MedGen CN230736.
Fabry disease. Also called: Fabry's disease; Angiokeratoma corporis diffusum; ALPHA-GALACTOSIDASE A DEFICIENCY; ANDERSON-FABRY DISEASE; CERAMIDE TRIHEXOSIDASE DEFICIENCY; GLA DEFICIENCY. Identifiers: Orphanet 324, MedGen C0002986, MONDO:0010526, OMIM 301500, HP:0001071. Disease mechanism: loss of function, Fabry disease is due to inactivating mutations in the X-linked GLA gene resulting in deficiency of the enzyme Alpha Galactosidase-A..

Submissions (5):

Genomenon, Inc
Classification: Pathogenic for Fabry disease. Last evaluated: 2026-09-08. Review status: criteria provided, single submitter. Criteria: Genomenon Sequence Variant Interpretation Standards - Updated. Collection method: curation. Allele origin: germline. Affected: yes.
Comment: GLA p.Gly85Asp (c.254G>A) is a missense variant that changes the amino acid at codon 85 from Glycine to Aspartic acid. This variant has been observed in at least one proband with clinical features consistent with Fabry disease (PMID:27834756;30594474;37761944;38410281;36383556;31392112;38308295;30723321). The variant was found to segregate with disease in at least one affected family (PMID:36383556). At least one functional study has demonstrated a substantial alteration in protein function relative to the wild-type (PMID:30723321;27657681). This variant is located in a mutational hotspot and/or important functional domain. It is absent or not present at a significant frequency in gnomAD. In silico models predict that this variant is possibly or probably damaging. In conclusion, we classify GLA p.Gly85Asp (c.254G>A) as a pathogenic variant.

Revvity Omics, Revvity
Classification: Pathogenic. Last evaluated: 2024-06-04. Review status: criteria provided, single submitter. Criteria: ACMG Guidelines, 2015. Collection method: clinical testing. Allele origin: germline.

Labcorp Genetics (formerly Invitae), Labcorp
Classification: Pathogenic for Fabry disease. Last evaluated: 2021-02-19. Review status: criteria provided, single submitter. Criteria: Invitae Variant Classification Sherloc (09022015). Collection method: clinical testing. Allele origin: germline.
Comment: This sequence change replaces glycine with aspartic acid at codon 85 of the GLA protein (p.Gly85Asp). The glycine residue is highly conserved and there is a moderate physicochemical difference between glycine and aspartic acid. For these reasons, this variant has been classified as Pathogenic. This variant disrupts the p.Gly85 amino acid residue in GLA. Other variant(s) that disrupt this residue have been observed in individuals with GLA-related conditions (PMID: 20022777), which suggests that this may be a clinically significant amino acid residue. Algorithms developed to predict the effect of missense changes on protein structure and function (SIFT, PolyPhen-2, Align-GVGD) all suggest that this variant is likely to be disruptive, but these predictions have not been confirmed by published functional studies and their clinical significance is uncertain. This variant has been observed in individual(s) with Fabry disease (PMID: 7599642, 27834756, 31392112). ClinVar contains an entry for this variant (Variation ID: 594665). This variant is also known as G85N. This variant is not present in population databases (ExAC no frequency).

Ambry Genetics
Classification: Likely pathogenic for Cardiovascular phenotype. Last evaluated: 2019-12-03. Review status: criteria provided, single submitter. Criteria: Ambry Variant Classification Scheme 2023. Collection method: clinical testing. Allele origin: germline.
Comment: The p.G85D variant (also known as c.254G>A), located in coding exon 2 of the GLA gene, results from a G to A substitution at nucleotide position 254. The glycine at codon 85 is replaced by aspartic acid, an amino acid with similar properties. This variant has been reported in multiple males and females with symptoms of Fabry disease (Borgwardt L et al. Clin. Genet., 2013 May;83:432-8; Fledelius HC et al. ActaOphthalmol, 2015 May;93:258-64; Korsholm K et al. PLoS ONE, 2015 Dec;10:e0143940; Weidemann F et al. Mol. Genet. Metab., 201902;126:169-182; Frabasil J et al. JIMD Rep, 2019 Jul;48:45-52). This amino acid position is highly conserved in available vertebrate species. In addition, this alteration is predicted to be deleterious by in silico analysis. Based on the majority of available evidence to date, this variant is likely to be pathogenic.

Eurofins Ntd Llc (ga)
Classification: Likely pathogenic. Last evaluated: 2017-11-01. Review status: criteria provided, single submitter. Criteria: EGL Classification Definitions 2015. Collection method: clinical testing. Allele origin: germline. Observed: 1 variant allele, 1 heterozygote.

Literature cited by the submitters: PubMed 27834756 (cited by Genomenon, Inc and Labcorp Genetics (formerly Invitae), Labcorp); PubMed 30594474 (cited by Genomenon, Inc and Ambry Genetics); PubMed 37761944 (cited by Genomenon, Inc); PubMed 38410281 (cited by Genomenon, Inc); PubMed 36383556 (cited by Genomenon, Inc); PubMed 31392112 (cited by 3 submitters); PubMed 38308295 (cited by Genomenon, Inc); PubMed 30723321 (cited by Genomenon, Inc); PubMed 27657681 (cited by Genomenon, Inc); PubMed 20022777 (cited by Labcorp Genetics (formerly Invitae), Labcorp); PubMed 7599642 (cited by Labcorp Genetics (formerly Invitae), Labcorp and Ambry Genetics); PubMed 22880956 (cited by Ambry Genetics); PubMed 25487570 (cited by Ambry Genetics); PubMed 26629990 (cited by Ambry Genetics).